The following is an entry in ClinVar:

NC_000002.11:g.(?_47596635)_(47613762_?)dup

Genes: EPCAM (epithelial cell adhesion molecule; plus strand), MIR559 (microRNA 559; plus strand). Cytogenetic location: 2p21.
Variant type: Duplication.
Identifiers: ClinVar variation 651820 (VCV000651820.1).

ClinVar aggregate classification (germline): Uncertain significance (1 of 4 stars; one submission).

Conditions:
Hereditary nonpolyposis colorectal neoplasms. Identifiers: MedGen C0009405, MeSH D003123.

Submission:

Labcorp Genetics (formerly Invitae), Labcorp
Classification: Uncertain significance for Hereditary nonpolyposis colon cancer. Last evaluated: 2018-11-27. Review status: criteria provided, single submitter. Criteria: Invitae Variant Classification Sherloc (09022015). Collection method: clinical testing. Allele origin: germline.
Comment: This variant results in a copy number gain of the genomic region encompassing the full coding sequence of the EPCAM gene. The boundaries of this event are unknown as they extend beyond the assayed region for this gene and therefore may encompass additional genes. As the precise location of this event is unknown, it may be in tandem or it may be located elsewhere in the genome. This variant has not been reported in the literature in individuals with EPCAM-related conditions. ClinVar contains an entry for this variant (Variation ID: 417531). In summary, the available evidence is currently insufficient to determine the role of this variant in disease. Therefore, it has been classified as a Variant of Uncertain Significance.